The following is an entry in ClinVar:

ClinVar aggregate classification (germline): Uncertain significance (1 of 4 stars; one submission).

gnomAD v4.1: 1 of 1,614,000 alleles (0.000062%); highest among the groups gnomAD compares: Admixed American, 0.0017%; no homozygotes.

Submission:

Labcorp Genetics (formerly Invitae), Labcorp
Classification: Uncertain significance. Last evaluated: 2025-09-24. Review status: criteria provided, single submitter. Criteria: Invitae Variant Classification Sherloc (09022015). Collection method: clinical testing. Allele origin: germline.
Comment: This sequence change replaces threonine, which is neutral and polar, with isoleucine, which is neutral and non-polar, at codon 1030 of the FN1 protein (p.Thr1030Ile). This variant is not present in population databases (gnomAD no frequency). This variant has not been reported in the literature in individuals affected with FN1-related conditions. An algorithm developed to predict the effect of missense changes on protein structure and function (PolyPhen-2) suggests that this variant is likely to be tolerated. In summary, the available evidence is currently insufficient to determine the role of this variant in disease. Therefore, it has been classified as a Variant of Uncertain Significance.

NM_212482.4(FN1):c.3089C>T (p.Thr1030Ile)

Gene: FN1 (fibronectin 1; minus strand). Cytogenetic location: 2q35.
Variant type: single nucleotide variant.
Coding change: c.3089C>T on transcript NM_212482.4 (MANE Select); coding-DNA position 3089, C replaced by T.
Protein change: p.Thr1030Ile; replaces threonine 1030 with isoleucine.
Molecular consequence: missense variant.
Genome position (GRCh38, 1-based): chr2:215,404,553, G>A on the plus strand (C>T on the coding strand, the complement: FN1 is on the minus strand). VCF-style: chr2-215404553-G-A. GRCh37 (hg19) VCF-style: chr2-216269276-G-A.
Other names: c.3089C>T, p.Thr1030Ile (NM_001306131.2, NM_001306132.2, NM_001365517.2 and 13 more transcripts); short protein forms T1030I.
Identifiers: ClinVar variation 4772492 (VCV004772492.1).